The following is an entry in ClinVar:

ClinVar aggregate classification (germline): Uncertain significance. Review status: criteria provided, single submitter (1 of 4 stars). 2 submissions from 2 submitters: Uncertain significance (1). 1 of the submissions does not count toward it. Last evaluated 2025-01-06.

Conditions:
Muscle eye brain disease (MEB). Also called: Santavuori congenital muscular dystrophy. Identifiers: Orphanet 588, Orphanet 899, MedGen C0457133, MONDO:0018939.
Autosomal recessive limb-girdle muscular dystrophy type 2O. Also called: Limb-Girdle Muscular Dystrophy Type 3C; MUSCULAR DYSTROPHY-DYSTROGLYCANOPATHY (LIMB-GIRDLE), TYPE C, 3; MUSCULAR DYSTROPHY-DYSTROGLYCANOPATHY, LIMB-GIRDLE, POMGNT1-RELATED. Identifiers: Orphanet 206564, MedGen C3150417, MONDO:0013161, OMIM 613157.
Muscular dystrophy-dystroglycanopathy (congenital with impaired intellectual development), type B, 3. Also called: Muscular dystrophy-dystroglycanopathy (congenital with intellectual disability), type B3; MUSCULAR DYSTROPHY, CONGENITAL, POMGNT1-RELATED. Identifiers: MedGen C3150412, MONDO:0013155, OMIM 613151.

Allele frequency attached by ClinVar (database versions not stated): gnomAD 0.00001; TOPMed 0.00001; ExAC 0.00003; 1000 Genomes Project 0.00020; 1000 Genomes Project 30x 0.00016; gnomAD exomes 0.00002.
gnomAD v4.1: 31 of 1,613,554 alleles (0.0019%); highest among the groups gnomAD compares: Middle Eastern, 0.033%; no homozygotes.

Submissions (2):

Labcorp Genetics (formerly Invitae), Labcorp
Classification: Uncertain significance for Autosomal recessive limb-girdle muscular dystrophy type 2O; Muscular dystrophy-dystroglycanopathy (congenital with impaired intellectual development), type B, 3. Last evaluated: 2025-01-06. Review status: criteria provided, single submitter. Criteria: Invitae Variant Classification Sherloc (09022015). Collection method: clinical testing. Allele origin: germline.
Comment: This sequence change replaces proline, which is neutral and non-polar, with leucine, which is neutral and non-polar, at codon 627 of the POMGNT1 protein (p.Pro627Leu). The frequency data for this variant in the population databases is considered unreliable, as metrics indicate poor data quality at this position in the gnomAD database. This variant has not been reported in the literature in individuals affected with POMGNT1-related conditions. ClinVar contains an entry for this variant (Variation ID: 471404). Invitae Evidence Modeling of protein sequence and biophysical properties (such as structural, functional, and spatial information, amino acid conservation, physicochemical variation, residue mobility, and thermodynamic stability) has been performed for this missense variant. However, the output from this modeling did not meet the statistical confidence thresholds required to predict the impact of this variant on POMGNT1 protein function. In summary, the available evidence is currently insufficient to determine the role of this variant in disease. Therefore, it has been classified as a Variant of Uncertain Significance.

Natera, Inc.
Classification: Uncertain significance for Muscle-eye-brain disease. Last evaluated: 2019-10-28. Review status: no assertion criteria provided. Collection method: clinical testing. Allele origin: germline. Not counted in ClinVar's aggregate classification.

NM_017739.4(POMGNT1):c.1880C>T (p.Pro627Leu)

Genes: POMGNT1 (protein O-linked mannose N-acetylglucosaminyltransferase 1 (beta 1,2-); minus strand), TSPAN1 (tetraspanin 1; plus strand). Cytogenetic location: 1p34.1.
Variant type: single nucleotide variant.
Coding change: c.1880C>T on transcript NM_017739.4 (MANE Select); coding-DNA position 1880, C replaced by T.
Protein change: p.Pro627Leu; replaces proline 627 with leucine.
Molecular consequence: missense variant. On other transcripts: intron variant (1).
Genome position (GRCh38, 1-based): chr1:46,189,473, G>A on the plus strand (C>T on the coding strand, the complement: POMGNT1 is on the minus strand). VCF-style: chr1-46189473-G-A. GRCh37 (hg19) VCF-style: chr1-46655145-G-A.
Other names: c.1814C>T, p.Pro605Leu (NM_001290129.3); c.1451C>T, p.Pro484Leu (NM_001290130.2); c.1880C>T, p.Pro627Leu (NM_001410783.1); c.1869+11C>T (NM_001243766.2); short protein forms P627L, P484L, P605L.
Identifiers: ClinVar variation 471404 (VCV000471404.8), dbSNP rs200143169, ClinGen allele CA833211.
Genomic context (GRCh38, chr1:46,189,473, plus strand): 5'-TCTCACTAGGCCTCCTGTTTCCCAGGGCAGAAAAGGGTCACTCACGAGTAGGGGGAAGCC[G>A]GGACCCCCACCATCAGGAAGTGGTTCTTCTTCCGAAACAATCTCCACAGGCCCCGATGGT-3'
Protein context (NP_060209.4, residues 617-637): KKNHFLMVGV[Pro627Leu]ASPYSVKKPP